The following is an entry in ClinVar:

ClinVar aggregate classification (germline): Benign/Likely benign. Review status: criteria provided, multiple submitters, no conflicts (2 of 4 stars). 7 submissions from 7 submitters: Benign (3); Likely benign (4). Last evaluated 2026-01-19.

Conditions:
Inborn genetic diseases. Identifiers: MedGen C0950123, MeSH D030342.
Developmental and epileptic encephalopathy, 36 (DEE36). Also called: ALG13-CDG; Congenital disorder of glycosylation, type Is; Epileptic encephalopathy, early infantile, 36. Identifiers: Orphanet 324422, MedGen C4317295, MONDO:0010472, OMIM 300884.

Allele frequency attached by ClinVar (database versions not stated): gnomAD exomes 0.00012 and 0.00035; ExAC 0.00074; gnomAD 0.00085 and 0.00086; ESP Exome Variant Server 0.00123; TOPMed 0.00128; 1000 Genomes Project 0.00132; 1000 Genomes Project 30x 0.00146.
gnomAD v4.1: 233 of 1,141,864 alleles (0.02%); highest among the groups gnomAD compares: African/African-American, 0.28%; 1 homozygote.

Submissions (7):

Labcorp Genetics (formerly Invitae), Labcorp
Classification: Benign for Developmental and epileptic encephalopathy, 36. Last evaluated: 2026-01-19. Review status: criteria provided, single submitter. Criteria: Invitae Variant Classification Sherloc (09022015). Collection method: clinical testing. Allele origin: germline.

Blueprint Genetics
Classification: Likely benign. Last evaluated: 2024-11-19. Review status: criteria provided, single submitter. Criteria: ACMG Guidelines, 2015. Collection method: clinical testing. Allele origin: germline.

Genome-Nilou Lab
Classification: Benign for Developmental and epileptic encephalopathy, 36. Last evaluated: 2021-12-05. Review status: criteria provided, single submitter. Criteria: ACMG Guidelines, 2015. Collection method: clinical testing. Allele origin: germline. Affected: no.

Fulgent Genetics
Classification: Likely benign for Developmental and epileptic encephalopathy, 36. Last evaluated: 2021-09-01. Review status: criteria provided, single submitter. Criteria: ACMG Guidelines, 2015. Collection method: clinical testing. Allele origin: unknown.

Genetic Services Laboratory, University of Chicago
Classification: Benign. Last evaluated: 2020-06-23. Review status: criteria provided, single submitter. Criteria: ACMG Guidelines, 2015. Collection method: clinical testing. Allele origin: germline. Affected: no.

GeneDx
Classification: Likely benign. Last evaluated: 2017-08-15. Review status: criteria provided, single submitter. Criteria: GeneDx Variant Classification (06012015). Collection method: clinical testing. Allele origin: germline. Affected: yes.
Comment: This variant is considered likely benign or benign based on one or more of the following criteria: it is a conservative change, it occurs at a poorly conserved position in the protein, it is predicted to be benign by multiple in silico algorithms, and/or has population frequency not consistent with disease.

Ambry Genetics
Classification: Likely benign for Inborn genetic diseases. Last evaluated: 2016-08-05. Review status: criteria provided, single submitter. Criteria: Ambry Variant Classification Scheme 2023. Collection method: clinical testing. Allele origin: germline.

NM_001099922.3(ALG13):c.1591T>C (p.Leu531=)

Gene: ALG13 (ALG13 UDP-N-acetylglucosaminyltransferase subunit; plus strand). Cytogenetic location: Xq23.
Variant type: single nucleotide variant.
Coding change: c.1591T>C on transcript NM_001099922.3 (MANE Select); coding-DNA position 1591, T replaced by C.
Protein change: p.Leu531=; no amino-acid change (leucine 531 retained).
Molecular consequence: synonymous variant.
Genome position (GRCh38, 1-based): chrX:111,723,888, T>C. VCF-style: chrX-111723888-T-C. GRCh37 (hg19) VCF-style: chrX-110967116-T-C.
Other names: c.1279T>C, p.Leu427= (NM_001257230.2, NM_001257234.2, NM_001257237.2); c.1357T>C, p.Leu453= (NM_001257231.2); c.1591T>C, p.Leu531= (NM_001324292.2); c.1105T>C, p.Leu369= (NM_001324293.1).
Identifiers: ClinVar variation 387963 (VCV000387963.23), dbSNP rs112837367, ClinGen allele CA10493729.